The following is an entry in ClinVar:

ClinVar aggregate classification (germline): Pathogenic (1 of 4 stars; one submission).

Conditions:
Nemaline myopathy 2 (NEM2). Also called: Nemaline myopathy 2, autosomal recessive. Identifiers: MedGen C1850569, MONDO:0009725, OMIM 256030.

Submission:

Labcorp Genetics (formerly Invitae), Labcorp
Classification: Pathogenic for Nemaline myopathy 2. Last evaluated: 2022-09-26. Review status: criteria provided, single submitter. Criteria: Invitae Variant Classification Sherloc (09022015). Collection method: clinical testing. Allele origin: germline.
Comment: This sequence change creates a premature translational stop signal (p.Trp1544*) in the NEB gene. It is expected to result in an absent or disrupted protein product. Loss-of-function variants in NEB are known to be pathogenic (PMID: 25205138). This variant is not present in population databases (gnomAD no frequency). This variant has not been reported in the literature in individuals affected with NEB-related conditions. For these reasons, this variant has been classified as Pathogenic.

Literature cited by the submitters: PubMed 25205138.

NM_001164508.2(NEB):c.4631G>A (p.Trp1544Ter)

Gene: NEB (nebulin; minus strand). Cytogenetic location: 2q23.3.
Variant type: single nucleotide variant.
Coding change: c.4631G>A on transcript NM_001164508.2 (MANE Select); coding-DNA position 4631, G replaced by A.
Protein change: p.Trp1544Ter; replaces tryptophan 1544 with a stop codon.
Molecular consequence: nonsense.
Genome position (GRCh38, 1-based): chr2:151,667,892, C>T on the plus strand (G>A on the coding strand, the complement: NEB is on the minus strand). VCF-style: chr2-151667892-C-T. GRCh37 (hg19) VCF-style: chr2-152524406-C-T.
Other names: c.4631G>A, p.Trp1544Ter (NM_001164507.2, NM_001271208.2, NM_004543.5); short protein forms W1544*.
Identifiers: ClinVar variation 2126873 (VCV002126873.4), dbSNP rs2552258964, ClinGen allele CA348814369.
Genomic context (GRCh38, chr2:151,667,892, plus strand): 5'-GCAGCAACAATTGGGATGGCATCTGGTCTCAAATCATAGCCCTTGGCAATGGTTTTCTTC[C>T]AATCTGCTTTATAATGAGCCTTCAAAAAAGTAGAGGTTATTTTATTATTTGACATCATTA-3'